The following is an entry in ClinVar:

ClinVar aggregate classification (germline): Uncertain significance (1 of 4 stars; one submission).

Conditions:
Bethlem myopathy 2 (BTHLM2). Identifiers: Orphanet 536516, Orphanet 610, MedGen C4225313, MONDO:0034022, OMIM 616471.

Submission:

Baylor Genetics
Classification: Uncertain significance for Bethlem myopathy 2. Last evaluated: 2020-06-19. Review status: criteria provided, single submitter. Criteria: ACMG Guidelines, 2015. Collection method: clinical testing. Allele origin: unknown. Affected: yes.
Comment: This variant was determined to be of uncertain significance according to ACMG Guidelines, 2015 [PMID:25741868].

NM_004370.6(COL12A1):c.8132G>A (p.Ser2711Asn)

Gene: COL12A1 (collagen type XII alpha 1 chain; minus strand). Cytogenetic location: 6q13.
Variant type: single nucleotide variant.
Coding change: c.8132G>A on transcript NM_004370.6 (MANE Select); coding-DNA position 8132, G replaced by A.
Protein change: p.Ser2711Asn; replaces serine 2711 with asparagine.
Molecular consequence: missense variant.
Genome position (GRCh38, 1-based): chr6:75,106,465, C>T on the plus strand (G>A on the coding strand, the complement: COL12A1 is on the minus strand). VCF-style: chr6-75106465-C-T. GRCh37 (hg19) VCF-style: chr6-75816181-C-T.
Other names: c.4640G>A, p.Ser1547Asn (NM_080645.3); short protein forms S1547N, S2711N.
Identifiers: ClinVar variation 1029831 (VCV001029831.1), dbSNP rs1768550579, ClinGen allele CA364741358.